The following is an entry in ClinVar:

ClinVar aggregate classification (germline): Uncertain significance (1 of 4 stars; one submission).

Conditions:
Hereditary cancer-predisposing syndrome. Also called: Hereditary Cancer Syndrome; Hereditary neoplastic syndrome; Neoplastic Syndromes, Hereditary; Tumor predisposition. Identifiers: Orphanet 140162, MedGen C0027672, MeSH D009386, MONDO:0015356.

Submission:

Ambry Genetics
Classification: Uncertain significance for Hereditary cancer-predisposing syndrome. Last evaluated: 2022-09-21. Review status: criteria provided, single submitter. Criteria: Ambry Variant Classification Scheme 2023. Collection method: clinical testing. Allele origin: germline.
Comment: The c.430-7G>A intronic variant results from a G to A substitution 7 nucleotides upstream from coding exon 3 in the PHOX2B gene. This nucleotide position is poorly conserved in available vertebrate species. In silico splice site analysis predicts that this alteration may weaken the native splice acceptor site and will result in the creation or strengthening of a novel splice acceptor site. Since supporting evidence is limited at this time, the clinical significance of this alteration remains unclear.

Literature cited by the submitters: PubMed 33958749.

NM_003924.4(PHOX2B):c.430-7G>A

Gene: PHOX2B (paired like homeobox 2B; minus strand). Cytogenetic location: 4p13.
Variant type: single nucleotide variant.
Coding change: c.430-7G>A on transcript NM_003924.4 (MANE Select); 7 bases into the intron before coding-DNA position 430, G replaced by A.
Molecular consequence: intron variant.
Genome position (GRCh38, 1-based): chr4:41,746,329, C>T on the plus strand (G>A on the coding strand, the complement: PHOX2B is on the minus strand). VCF-style: chr4-41746329-C-T. GRCh37 (hg19) VCF-style: chr4-41748346-C-T.
Identifiers: ClinVar variation 1739592 (VCV001739592.2), dbSNP rs2552096912, ClinGen allele CA2580071020.